The following is an entry in ClinVar:

NM_019112.3(ABCA7):c.2126_2132del (p.Glu709fs)

Gene: ABCA7 (ATP binding cassette subfamily A member 7; plus strand). Cytogenetic location: 19p13.3.
Variant type: Deletion.
Coding change: c.2126_2132del on transcript NM_019112.3; coding-DNA positions 2126 to 2132, 7 bases deleted (AGCAGGG; older notation c.2126_2132delAGCAGGG).
Protein change: p.Glu709fs; shifts the reading frame from glutamic acid 709.
Molecular consequence: frameshift variant (on NM_019112.4).
Genome position (GRCh38, 1-based): chr19:1,047,511-1,047,517, AGCAGGG deleted; deleting any 7 consecutive bases within chr19:1,047,509-1,047,517 gives the same sequence; the c. name uses the placement nearest the transcript's 3' end. VCF-style (leftmost placement, unchanged base first): chr19-1047508-AGGAGCAG-A. GRCh37 (hg19) VCF-style: chr19-1047507-AGGAGCAG-A.
Other names: c.2126_2132delAGCAGGG (NM_019112.3, NM_019112.4); c.2126_2132del, p.Glu709fs (NM_019112.4); c.2126_2132del7 (NM_019112.3); short protein forms E709fs.
Identifiers: ClinVar variation 225544 (VCV000225544.50), dbSNP rs547447016, ClinGen allele CA9033311.

ClinVar aggregate classification (germline): Conflicting classifications of pathogenicity; risk factor. Review status: criteria provided, conflicting classifications (1 of 4 stars). 7 submissions from 7 submitters: Uncertain significance (3); Likely benign (1). 2 of the submissions do not count toward it. Last evaluated 2026-02-24.

Conditions:
ABCA7-related disorder. Also called: ABCA7-related condition.
Primary degenerative dementia of the Alzheimer type, presenile onset. Also called: Early-onset Alzheimer's disease; Alzheimer disease, early onset. Identifiers: MedGen C5779573.
Alzheimer disease 9. Also called: ALZHEIMER DISEASE 9, SUSCEPTIBILITY TO; ALZHEIMER DISEASE 9, LATE-ONSET. Identifiers: MedGen C4282179, MONDO:0012153, OMIM 608907.

Submissions (7):

Women's Health and Genetics/Laboratory Corporation of America, LabCorp
Classification: Uncertain significance. Last evaluated: 2026-02-24. Review status: criteria provided, single submitter. Criteria: LabCorp Variant Classification Summary - May 2015. Collection method: clinical testing. Allele origin: germline.
Comment: Variant summary: ABCA7 c.2126_2132delAGCAGGG (p.Glu709AlafsX86) results in a premature termination codon, predicted to cause a truncation of the encoded protein or absence of the protein due to nonsense mediated decay, however current evidence is not sufficient to establish loss of function as a mechanism for disease. The variant allele was found at a frequency of 0.0012 in 202280 control chromosomes in the gnomAD database, including 1 homozygote. The observed variant frequency exceeds the estimated maximal expected allele frequency for disease-causing variants in ABCA7. c.2126_2132delAGCAGGG has been reported in the literature in cohorts of individuals affected with Alzheimer Disease, including at least one family where it segregated with the disease, however, it has also been reported in unaffected controls (e.g. Cuyvers_2015, Allen_2017, Bartoletti-Stella_2022, Steinburg_2015, Nicolas_2024). In at least one study, the variant was found to have a significant association with Alzheimers disease in a large cohort of affected and control individuals from Iceland, with an odds ratio of 2.14, but notably had a minor allele frequency of 0.0027 in the control population (Steinburg_2015). At least one publication reports experimental evidence evaluating ABCA7 protein and mRNA levels in c.2126_2132delAGCAGGG carriers and non-carriers and found variant carriers had consistently lower brain ABCA7 mRNA expression compared to non-carriers, but that this was not consistently reflected at the protein level (Allen_2017). These results do not allow convincing conclusions about the variant effect. The following publications have been ascertained in the context of this evaluation (PMID: 26141617, 28097223, 36133075, 25807283, 38281098). ClinVar contains an entry for this variant (Variation ID: 225544). Based on the evidence outlined above, the variant was classified as VUS-possibly benign.

Blueprint Genetics
Classification: Uncertain significance. Last evaluated: 2024-11-21. Review status: criteria provided, single submitter. Criteria: ACMG Guidelines, 2015. Collection method: clinical testing. Allele origin: germline.

Labcorp Genetics (formerly Invitae), Labcorp
Classification: Likely benign. Last evaluated: 2019-12-31. Review status: criteria provided, single submitter. Criteria: Invitae Variant Classification Sherloc (09022015). Collection method: clinical testing. Allele origin: germline.

HudsonAlpha Institute for Biotechnology
Classification: risk factor for Early-onset Alzheimer's disease. Last evaluated: 2019-10-28. Review status: criteria provided, single submitter. Criteria: ACMG Guidelines, 2015. Collection method: research. Allele origin: unknown. Affected: yes.

CeGaT Center for Human Genetics Tuebingen
Classification: Uncertain significance. Last evaluated: 2018-08-01. Review status: criteria provided, single submitter. Criteria: CeGaT Center For Human Genetics Tuebingen Variant Classification Criteria Version 2. Collection method: clinical testing. Allele origin: germline. Affected: yes. Observed: 1 variant allele.

PreventionGenetics, part of Exact Sciences
Classification: Uncertain significance for ABCA7-related condition. Last evaluated: 2024-06-15. Review status: no assertion criteria provided. Collection method: clinical testing. Allele origin: germline. Not counted in ClinVar's aggregate classification.
Comment: The ABCA7 c.2126_2132del7 variant is predicted to result in a frameshift and premature protein termination (p.Glu709Alafs*86). This variant has been reported in individuals with Alzheimer disease and other neuropathologies with higher frequencies than in control (Steinberg et al. 2015. PubMed ID: 25807283; Allen et al. 2017. PubMed ID: 28097223; Supplementary Table 8, Bellenguez et al. 2017. PubMed ID: 28789839; Bossaerts et al. 2021. PubMed ID: 34090711; Wagner et al. 2021. PubMed ID: 34561610; Bartoletti-Stella et al. 2022. PubMed ID: 36133075). Postmortem brain tissue in the carrier of this variant showed decreased transcript but not protein expression (Allen et al. 2017. PubMed ID: 28097223). Loss-of-function variants in ABCA7 have been found to have the significant association with Alzheimer disease (Steinberg et al. 2015. PubMed ID: 25807283). This variant is reported in 0.28% of alleles in individuals of European (Finnish) descent in gnomAD. Although we suspect that this variant may be pathogenic, at this time, the clinical significance of this variant is uncertain due to the absence of conclusive functional and genetic evidence.

OMIM
Classification: risk factor for ALZHEIMER DISEASE 9, SUSCEPTIBILITY TO. Last evaluated: 2016-04-25. Review status: no assertion criteria provided. Collection method: literature only. Allele origin: germline. Not counted in ClinVar's aggregate classification.

Literature cited by the submitters: PubMed 36133075 (cited by Women's Health and Genetics/Laboratory Corporation of America, LabCorp); PubMed 28097223 (cited by Women's Health and Genetics/Laboratory Corporation of America, LabCorp); PubMed 26141617 (cited by Women's Health and Genetics/Laboratory Corporation of America, LabCorp and OMIM); PubMed 25807283 (cited by Women's Health and Genetics/Laboratory Corporation of America, LabCorp and OMIM); PubMed 38281098 (cited by Women's Health and Genetics/Laboratory Corporation of America, LabCorp); PubMed 27066581 (cited by OMIM).